The following is an entry in ClinVar:

ClinVar aggregate classification (germline): Uncertain significance (1 of 4 stars; one submission).

Conditions:
Familial thoracic aortic aneurysm and aortic dissection (TAAD). Also called: Thoracic aortic aneurysms and dissections. Identifiers: Orphanet 91387, MedGen C4707243, MONDO:0019625.

Submission:

Ambry Genetics
Classification: Uncertain significance for Familial thoracic aortic aneurysm and aortic dissection. Last evaluated: 2025-06-28. Review status: criteria provided, single submitter. Criteria: Ambry Variant Classification Scheme 2023. Collection method: clinical testing. Allele origin: germline.
Comment: The p.T559P variant (also known as c.1675A>C), located in coding exon 11 of the NOTCH1 gene, results from an A to C substitution at nucleotide position 1675. The threonine at codon 559 is replaced by proline, an amino acid with highly similar properties. This amino acid position is conserved. In addition, the in silico prediction for this alteration is inconclusive. Based on the available evidence, the clinical significance of this variant remains unclear.

NM_017617.5(NOTCH1):c.1675A>C (p.Thr559Pro)

Gene: NOTCH1 (notch receptor 1; minus strand). Cytogenetic location: 9q34.3.
Variant type: single nucleotide variant.
Coding change: c.1675A>C on transcript NM_017617.5 (MANE Select); coding-DNA position 1675, A replaced by C.
Protein change: p.Thr559Pro; replaces threonine 559 with proline.
Molecular consequence: missense variant.
Genome position (GRCh38, 1-based): chr9:136,515,711, T>G on the plus strand (A>C on the coding strand, the complement: NOTCH1 is on the minus strand). VCF-style: chr9-136515711-T-G. GRCh37 (hg19) VCF-style: chr9-139410163-T-G.
Other names: short protein forms T559P.
Identifiers: ClinVar variation 4121644 (VCV004121644.1).